The following is an entry in ClinVar:

NM_001348323.3(TRIP12):c.2107C>A (p.Leu703Met)

Gene: TRIP12 (thyroid hormone receptor interactor 12; minus strand). Cytogenetic location: 2q36.3.
Variant type: single nucleotide variant.
Coding change: c.2107C>A on transcript NM_001348323.3 (MANE Select); coding-DNA position 2107, C replaced by A.
Protein change: p.Leu703Met; replaces leucine 703 with methionine.
Molecular consequence: missense variant.
Genome position (GRCh38, 1-based): chr2:229,810,994, G>T on the plus strand (C>A on the coding strand, the complement: TRIP12 is on the minus strand). VCF-style: chr2-229810994-G-T. GRCh37 (hg19) VCF-style: chr2-230675710-G-T.
Other names: c.2107C>A, p.Leu703Met (NM_001284214.2, NM_001348315.2, NM_001348319.1 and 11 more transcripts); c.1981C>A, p.Leu661Met (NM_001284215.2, NM_001348316.2, NM_001348317.1 and 2 more transcripts); c.1072C>A, p.Leu358Met (NM_001284216.2); c.2020C>A, p.Leu674Met (NM_001348332.1); c.1963C>A, p.Leu655Met (NM_004238.3); short protein forms L358M, L655M, L661M, L674M, L703M.
Identifiers: ClinVar variation 2663534 (VCV002663534.2), dbSNP rs1434091957, ClinGen allele CA350919535.

ClinVar aggregate classification (germline): Uncertain significance (1 of 4 stars; one submission).

gnomAD v4.1: 1 of 1,614,084 alleles (0.000062%); highest among the groups gnomAD compares: African/African-American, 0.0013%; no homozygotes.

Submission:

GeneDx
Classification: Uncertain significance. Last evaluated: 2024-08-25. Review status: criteria provided, single submitter. Criteria: GeneDx Variant Classification Process June 2021. Collection method: clinical testing. Allele origin: germline.
Comment: Not observed at significant frequency in large population cohorts (gnomAD); In silico analysis indicates that this missense variant does not alter protein structure/function; Has not been previously published as pathogenic or benign to our knowledge